The following is an entry in ClinVar:

NM_002074.5(GNB1):c.114C>G (p.Asp38Glu)

Gene: GNB1 (G protein subunit beta 1; minus strand). Cytogenetic location: 1p36.33.
Variant type: single nucleotide variant.
Coding change: c.114C>G on transcript NM_002074.5 (MANE Select); coding-DNA position 114, C replaced by G.
Protein change: p.Asp38Glu; replaces aspartic acid 38 with glutamic acid.
Molecular consequence: missense variant. On other transcripts: intron variant (1).
Genome position (GRCh38, 1-based): chr1:1,815,845, G>C on the plus strand (C>G on the coding strand, the complement: GNB1 is on the minus strand). VCF-style: chr1-1815845-G-C. GRCh37 (hg19) VCF-style: chr1-1747284-G-C.
Other names: c.114C>G, p.Asp38Glu (NM_001282539.2); c.-97-9307C>G (NM_001282538.2); short protein forms D38E.
Identifiers: ClinVar variation 2638064 (VCV002638064.24), dbSNP rs2523140852, ClinGen allele CA337919882.

ClinVar aggregate classification (germline): Uncertain significance (1 of 4 stars; one submission).

gnomAD v4.1: 1 of 1,600,462 alleles (0.000062%); highest among the groups gnomAD compares: Non-Finnish European, 0.000086%; no homozygotes.

Submission:

CeGaT Center for Human Genetics Tuebingen
Classification: Uncertain significance. Last evaluated: 2022-05-01. Review status: criteria provided, single submitter. Criteria: CeGaT Center For Human Genetics Tuebingen Variant Classification Criteria Version 2. Collection method: clinical testing. Allele origin: germline. Affected: yes. Observed: 1 variant allele.
Comment: GNB1: PM2, PP2